The following is an entry in ClinVar:

ClinVar aggregate classification (germline): Conflicting classifications of pathogenicity. Review status: criteria provided, conflicting classifications (1 of 4 stars). 3 submissions from 3 submitters: Uncertain significance (2); Likely benign (1). Last evaluated 2026-01-21.

Conditions:
AARS1-related disorder. Also called: AARS1-related condition.
Charcot-Marie-Tooth disease type 2. Also called: Charcot-Marie-Tooth type 2. Identifiers: Orphanet 64746, MedGen C0270914, MONDO:0018993.
Inborn genetic diseases. Identifiers: MedGen C0950123, MeSH D030342.

gnomAD v4.1: 26 of 1,614,044 alleles (0.0016%); highest among the groups gnomAD compares: Admixed American, 0.04%; no homozygotes.

Submissions (3):

Labcorp Genetics (formerly Invitae), Labcorp
Classification: Uncertain significance for Charcot-Marie-Tooth disease type 2. Last evaluated: 2026-01-21. Review status: criteria provided, single submitter. Criteria: Invitae Variant Classification Sherloc (09022015). Collection method: clinical testing. Allele origin: germline.
Comment: This sequence change falls in intron 3 of the AARS gene. It does not directly change the encoded amino acid sequence of the AARS protein. It affects a nucleotide within the consensus splice site. This variant is present in population databases (rs747431164, gnomAD 0.06%). This variant has not been reported in the literature in individuals affected with AARS-related conditions. ClinVar contains an entry for this variant (Variation ID: 1060939). Variants that disrupt the consensus splice site are a relatively common cause of aberrant splicing (PMID: 17576681, 9536098). Algorithms developed to predict the effect of sequence changes on RNA splicing suggest that this variant is not likely to affect RNA splicing. In summary, the available evidence is currently insufficient to determine the role of this variant in disease. Therefore, it has been classified as a Variant of Uncertain Significance.

PreventionGenetics, part of Exact Sciences
Classification: Likely benign for AARS1-related condition. Last evaluated: 2025-10-07. Review status: criteria provided, single submitter. Criteria: ACMG Guidelines, 2015. Collection method: clinical testing. Allele origin: germline.
Comment: This variant is classified as likely benign based on ACMG/AMP sequence variant interpretation guidelines (Richards et al. 2015 PMID: 25741868, with internal and published modifications).

Ambry Genetics
Classification: Uncertain significance for Inborn genetic diseases. Last evaluated: 2021-07-21. Review status: criteria provided, single submitter. Criteria: Ambry Variant Classification Scheme 2023. Collection method: clinical testing. Allele origin: germline.
Comment: Unlikely to be causative of Charcot-Marie-Tooth disease (AD) Based on insufficient or conflicting evidence, the clinical significance of this alteration remains unclear.

Literature cited by the submitters: PubMed 17576681 (cited by Labcorp Genetics (formerly Invitae), Labcorp); PubMed 9536098 (cited by Labcorp Genetics (formerly Invitae), Labcorp).

NM_001605.3(AARS1):c.333+3A>G

Gene: AARS1 (alanyl-tRNA synthetase 1; minus strand). Cytogenetic location: 16q22.1.
Variant type: single nucleotide variant.
Coding change: c.333+3A>G on transcript NM_001605.3 (MANE Select); 3 bases into the intron after coding-DNA position 333, A replaced by G.
Molecular consequence: intron variant.
Genome position (GRCh38, 1-based): chr16:70,276,963, T>C on the plus strand (A>G on the coding strand, the complement: AARS1 is on the minus strand). VCF-style: chr16-70276963-T-C. GRCh37 (hg19) VCF-style: chr16-70310866-T-C.
Other names: c.333+3A>G (NM_001605.2).
Identifiers: ClinVar variation 1060939 (VCV001060939.9), dbSNP rs747431164, ClinGen allele CA8141172.
Genomic context (GRCh38, chr16:70,276,963, plus strand): 5'-GTTCCCAGTGTGGAAAAGACCATTTTCCTCAAAACCCTAGTGGTTCTTCTGCTCTGAACT[T>C]ACCTTAAAGTAATCTCCAAAAGACCAAGAGCCCAGCATCTCGAAGAAGGTGTGATGATAG-3'